The following is an entry in ClinVar:

NM_033028.5(BBS4):c.1022_1030del (p.Tyr341_Leu343del)

Gene: BBS4 (Bardet-Biedl syndrome 4; plus strand). Cytogenetic location: 15q24.1.
Variant type: Deletion.
Coding change: c.1022_1030del on transcript NM_033028.5 (MANE Select); coding-DNA positions 1022 to 1030, 9 bases deleted (ACATGCTCT; older notation c.1022_1030delACATGCTCT).
Protein change: p.Tyr341_Leu343del.
Molecular consequence: inframe deletion. On other transcripts: non-coding transcript variant (2).
Genome position (GRCh38, 1-based): chr15:72,731,712-72,731,720, ACATGCTCT deleted; deleting any 9 consecutive bases within chr15:72,731,707-72,731,720 gives the same sequence; the c. name uses the placement nearest the transcript's 3' end. VCF-style (leftmost placement, unchanged base first): chr15-72731706-AGCTCTACAT-A. GRCh37 (hg19) VCF-style: chr15-73024047-AGCTCTACAT-A.
Other names: c.506_514del, p.Tyr169_Leu171del (NM_001252678.2); c.953_961del, p.Tyr318_Leu320del (NM_001320665.2); c.1022_1030delACATGCTCT (NM_033028.4).
Identifiers: ClinVar variation 504270 (VCV000504270.3), dbSNP rs1555501782, ClinGen allele CA658798402.
Genomic context (GRCh38, chr15:72,731,706, plus strand): 5'-AGTATGCATCAGCTTTTCATTTTCTCAGTGCGGCCATCAACTTCCAGCCAAAGATGGGGG[AGCTCTACAT>A]GCTCTTGGCAGGTAAGAAACATTTATGTGGAAAACTCTCTCTGCCATCTGTAATGAGGGA-3'

ClinVar aggregate classification (germline): Uncertain significance (1 of 4 stars; one submission).

Submission:

GeneDx
Classification: Uncertain significance. Last evaluated: 2020-03-16. Review status: criteria provided, single submitter. Criteria: GeneDx Variant Classification Process June 2021. Collection method: clinical testing. Allele origin: germline. Affected: yes.
Comment: Not observed in large population cohorts (Lek et al., 2016); In-frame deletion of 3 amino acids in a non-repeat region; In silico analysis, which includes protein predictors and evolutionary conservation, supports a deleterious effect; Has not been previously published as pathogenic or benign to our knowledge